The following is an entry in ClinVar:

NM_014003.4(DHX38):c.1808G>A (p.Gly603Glu)

Gene: DHX38 (DEAH-box helicase 38; plus strand). Cytogenetic location: 16q22.2.
Variant type: single nucleotide variant.
Coding change: c.1808G>A on transcript NM_014003.4 (MANE Select); coding-DNA position 1808, G replaced by A.
Protein change: p.Gly603Glu; replaces glycine 603 with glutamic acid.
Molecular consequence: missense variant.
Genome position (GRCh38, 1-based): chr16:72,103,772, G>A. VCF-style: chr16-72103772-G-A. GRCh37 (hg19) VCF-style: chr16-72137671-G-A.
Other names: c.1808G>A (NM_014003.3); short protein forms G603E.
Identifiers: ClinVar variation 1019485 (VCV001019485.9), dbSNP rs780828640, ClinGen allele CA8160398.

ClinVar aggregate classification (germline): Uncertain significance. Review status: criteria provided, multiple submitters, no conflicts (2 of 4 stars). 2 submissions from 2 submitters: Uncertain significance (2). Last evaluated 2025-08-31.

Allele frequency attached by ClinVar (database versions not stated): gnomAD exomes below 0.00001 and 0.00001; gnomAD 0.00001; TOPMed 0.00001; ExAC 0.00002.
gnomAD v4.1: 6 of 1,611,260 alleles (0.00037%); highest among the groups gnomAD compares: South Asian, 0.0011%; no homozygotes.

Submissions (2):

Ambry Genetics
Classification: Uncertain significance. Last evaluated: 2025-08-31. Review status: criteria provided, single submitter. Criteria: Ambry Variant Classification Scheme 2023. Collection method: clinical testing. Allele origin: germline.

Labcorp Genetics (formerly Invitae), Labcorp
Classification: Uncertain significance. Last evaluated: 2022-01-06. Review status: criteria provided, single submitter. Criteria: Invitae Variant Classification Sherloc (09022015). Collection method: clinical testing. Allele origin: germline.
Comment: This variant has not been reported in the literature in individuals affected with DHX38-related conditions. This sequence change replaces glycine, which is neutral and non-polar, with glutamic acid, which is acidic and polar, at codon 603 of the DHX38 protein (p.Gly603Glu). This variant is present in population databases (rs780828640, gnomAD 0.002%). ClinVar contains an entry for this variant (Variation ID: 1019485). Algorithms developed to predict the effect of missense changes on protein structure and function (SIFT, PolyPhen-2, Align-GVGD) all suggest that this variant is likely to be tolerated. In summary, the available evidence is currently insufficient to determine the role of this variant in disease. Therefore, it has been classified as a Variant of Uncertain Significance.